The following is an entry in ClinVar:

NM_001312909.2(FAM111A):c.1010del (p.Val337fs)

Genes: FAM111A (FAM111 trypsin like peptidase A; plus strand), LOC130005740 (ATAC-STARR-seq lymphoblastoid active region 4748; plus strand). Cytogenetic location: 11q12.1.
Variant type: Deletion.
Coding change: c.1010del on transcript NM_001312909.2 (MANE Select); coding-DNA position 1010, one base deleted (T; older notation c.1010delT).
Protein change: p.Val337fs; shifts the reading frame from valine 337.
Molecular consequence: frameshift variant.
Genome position (GRCh38, 1-based): chr11:59,152,678, T deleted. VCF-style (leftmost placement, unchanged base first): chr11-59152677-GT-G. GRCh37 (hg19) VCF-style: chr11-58920150-GT-G.
Other names: c.1010del, p.Val337fs (NM_001142519.3, NM_001142520.3, NM_001142521.3 and 29 more transcripts); short protein forms V337fs.
Identifiers: ClinVar variation 2842532 (VCV002842532.3), dbSNP rs1483840215, ClinGen allele CA474819623.
Genomic context (GRCh38, chr11:59,152,677, plus strand): 5'-AAAATGAAAGTAAAAAATGGGGAAACATTATTTGAATTGCATAGAACAACGTTTGGGAAA[GT>G]AACAAAAAATTCTTCTTCGATTAAAGTAGTGAAACTTCTTGTACGTCTCAGTGACTCAGT-3'

ClinVar aggregate classification (germline): Uncertain significance (1 of 4 stars; one submission).

Allele frequency attached by ClinVar (database versions not stated): gnomAD exomes below 0.00001; TOPMed below 0.00001; gnomAD 0.00001.

Submission:

Labcorp Genetics (formerly Invitae), Labcorp
Classification: Uncertain significance. Last evaluated: 2023-12-30. Review status: criteria provided, single submitter. Criteria: Invitae Variant Classification Sherloc (09022015). Collection method: clinical testing. Allele origin: germline.
Comment: This sequence change creates a premature translational stop signal (p.Val337Glufs*10) in the FAM111A gene. While this is not anticipated to result in nonsense mediated decay, it is expected to disrupt the last 275 amino acid(s) of the FAM111A protein. This variant is not present in population databases (gnomAD no frequency). This variant has not been reported in the literature in individuals affected with FAM111A-related conditions. Experimental studies and prediction algorithms are not available or were not evaluated, and the functional significance of this variant is currently unknown. In summary, the available evidence is currently insufficient to determine the role of this variant in disease. Therefore, it has been classified as a Variant of Uncertain Significance.